The following is an entry in ClinVar:

ClinVar aggregate classification (germline): Uncertain significance (1 of 4 stars; one submission).

Conditions:
Hereditary cancer-predisposing syndrome. Also called: Neoplastic Syndromes, Hereditary; Tumor predisposition; Hereditary neoplastic syndrome; Hereditary Cancer Syndrome. Identifiers: Orphanet 140162, MedGen C0027672, MeSH D009386, MONDO:0015356.

Submission:

Ambry Genetics
Classification: Uncertain significance for Hereditary cancer-predisposing syndrome. Last evaluated: 2026-07-07. Review status: criteria provided, single submitter. Criteria: Ambry Variant Classification Scheme 2023. Collection method: clinical testing. Allele origin: germline.
Comment: The p.T331I variant (also known as c.992C>T), located in coding exon 7 of the FH gene, results from a C to T substitution at nucleotide position 992. The threonine at codon 331 is replaced by isoleucine, an amino acid with similar properties. This amino acid position is conserved. In addition, the in silico prediction for this alteration is inconclusive. Based on the available evidence, the clinical significance of this variant remains unclear.

NM_000143.4(FH):c.992C>T (p.Thr331Ile)

Gene: FH (fumarate hydratase; minus strand). Cytogenetic location: 1q43.
Variant type: single nucleotide variant.
Coding change: c.992C>T on transcript NM_000143.4 (MANE Select); coding-DNA position 992, C replaced by T.
Protein change: p.Thr331Ile; replaces threonine 331 with isoleucine.
Molecular consequence: missense variant.
Genome position (GRCh38, 1-based): chr1:241,504,158, G>A on the plus strand (C>T on the coding strand, the complement: FH is on the minus strand). VCF-style: chr1-241504158-G-A. GRCh37 (hg19) VCF-style: chr1-241667458-G-A.
Other names: short protein forms T331I.
Identifiers: ClinVar variation 5021708 (VCV005021708.1).